The following is an entry in ClinVar:

ClinVar aggregate classification (germline): Conflicting classifications of pathogenicity. Review status: criteria provided, conflicting classifications (1 of 4 stars). 2 submissions from 2 submitters: Uncertain significance (1); Likely benign (1). Last evaluated 2022-04-17.

Conditions:
Facioscapulohumeral muscular dystrophy 2 (FSHD2). Also called: MUSCULAR DYSTROPHY, FACIOSCAPULOHUMERAL, TYPE 1B; FACIOSCAPULOHUMERAL MUSCULAR DYSTROPHY 2, DIGENIC; FSHD2, DIGENIC. Identifiers: Orphanet 269, MedGen C1834671, MONDO:0008031, OMIM 158901.

Submissions (2):

Labcorp Genetics (formerly Invitae), Labcorp
Classification: Likely benign for Facioscapulohumeral muscular dystrophy 2. Last evaluated: 2022-04-17. Review status: criteria provided, single submitter. Criteria: Invitae Variant Classification Sherloc (09022015). Collection method: clinical testing. Allele origin: germline.

Laboratorio de Genetica e Diagnostico Molecular, Hospital Israelita Albert Einstein
Classification: Uncertain significance. Last evaluated: 2021-09-24. Review status: criteria provided, single submitter. Criteria: ACMG Guidelines, 2015. Collection method: clinical testing. Allele origin: germline. Affected: yes.
Comment: ACMG classification criteria: PM2

NM_015295.3(SMCHD1):c.1463+10A>G

Gene: SMCHD1 (structural maintenance of chromosomes flexible hinge domain containing 1; plus strand). Cytogenetic location: 18p11.32.
Variant type: single nucleotide variant.
Coding change: c.1463+10A>G on transcript NM_015295.3 (MANE Select); 10 bases into the intron after coding-DNA position 1463, A replaced by G.
Molecular consequence: intron variant.
Genome position (GRCh38, 1-based): chr18:2,700,669, A>G. VCF-style: chr18-2700669-A-G. GRCh37 (hg19) VCF-style: chr18-2700667-A-G.
Identifiers: ClinVar variation 1690451 (VCV001690451.7), dbSNP rs2074381441, ClinGen allele CA2280682481.